The following is an entry in ClinVar:

ClinVar aggregate classification (germline): Uncertain significance (1 of 4 stars; one submission).

Allele frequency attached by ClinVar (database versions not stated): gnomAD exomes below 0.00001.
gnomAD v4.1: 4 of 1,612,136 alleles (0.00025%); highest among the groups gnomAD compares: Non-Finnish European, 0.00025%; no homozygotes.

Submission:

Labcorp Genetics (formerly Invitae), Labcorp
Classification: Uncertain significance. Last evaluated: 2020-12-18. Review status: criteria provided, single submitter. Criteria: Invitae Variant Classification Sherloc (09022015). Collection method: clinical testing. Allele origin: germline.
Comment: This variant has not been reported in the literature in individuals with P3H2-related conditions. In summary, the available evidence is currently insufficient to determine the role of this variant in disease. Therefore, it has been classified as a Variant of Uncertain Significance. Algorithms developed to predict the effect of missense changes on protein structure and function are either unavailable or do not agree on the potential impact of this missense change (SIFT: "Deleterious"; PolyPhen-2: "Benign"; Align-GVGD: "Class C25"). This variant is not present in population databases (ExAC no frequency). This sequence change replaces valine with leucine at codon 218 of the P3H2 protein (p.Val218Leu). The valine residue is highly conserved and there is a small physicochemical difference between valine and leucine.

NM_018192.4(P3H2):c.652G>C (p.Val218Leu)

Gene: P3H2 (prolyl 3-hydroxylase 2; minus strand). Cytogenetic location: 3q28.
Variant type: single nucleotide variant.
Coding change: c.652G>C on transcript NM_018192.4 (MANE Select); coding-DNA position 652, G replaced by C.
Protein change: p.Val218Leu; replaces valine 218 with leucine.
Molecular consequence: missense variant.
Genome position (GRCh38, 1-based): chr3:189,994,265, C>G on the plus strand (G>C on the coding strand, the complement: P3H2 is on the minus strand). VCF-style: chr3-189994265-C-G. GRCh37 (hg19) VCF-style: chr3-189712054-C-G.
Other names: c.109G>C, p.Val37Leu (NM_001134418.2); short protein forms V218L, V37L.
Identifiers: ClinVar variation 1371491 (VCV001371491.8), dbSNP rs1404995845, ClinGen allele CA355759625.
Genomic context (GRCh38, chr3:189,994,265, plus strand): 5'-TTAAGGCTTGTTCGAAGTGCCTGATAGCCATCTCAAAGTCATCAGCCTCATAATGTTTAA[C>G]TCCTGCATTGTAACTCTCCTGTAATGAAACAGACGGGAAAAAACAAACAAACAAACAAAC-3'
Protein context (NP_060662.2, residues 208-228): KPHMESYNAG[Val218Leu]KHYEADDFEM